The following is an entry in ClinVar:

NM_000069.3(CACNA1S):c.1564C>T (p.Leu522=)

Gene: CACNA1S (calcium voltage-gated channel subunit alpha1 S; minus strand). Cytogenetic location: 1q32.1.
Variant type: single nucleotide variant.
Coding change: c.1564C>T on transcript NM_000069.3 (MANE Select); coding-DNA position 1564, C replaced by T.
Protein change: p.Leu522=; no amino-acid change (leucine 522 retained).
Molecular consequence: synonymous variant.
Genome position (GRCh38, 1-based): chr1:201,077,934, G>A on the plus strand (C>T on the coding strand, the complement: CACNA1S is on the minus strand). VCF-style: chr1-201077934-G-A. GRCh37 (hg19) VCF-style: chr1-201047062-G-A.
Other names: p.Leu522=.
Identifiers: ClinVar variation 254801 (VCV000254801.20), dbSNP rs4915476, ClinGen allele CA078403.
Genomic context (GRCh38, chr1:201,077,934, plus strand): 5'-CTCACTTGGTGATCTTGAAGATCCTCAGGAGGCGGATGCAGCGGAGCACGGAGATGCCCA[G>A]GGGTGTCATGGCACCCGACTCCACCAGCAGGATCTCCAGGATACCGCTACACACCACGAA-3'
Protein context (NP_000060.2, residues 512-532): LLVESGAMTP[Leu522=]GISVLRCIRL

ClinVar aggregate classification (germline): Benign. Review status: criteria provided, multiple submitters, no conflicts (2 of 4 stars). 13 submissions from 10 submitters: Benign (13). Last evaluated 2026-02-04.

Conditions:
Congenital myopathy 18. Also called: Myopathy, congenital, due to dihydropyridine receptor defect; DIHYDROPYRIDINE RECEPTOR CONGENITAL MYOPATHY; DHPR CONGENITAL MYOPATHY. Identifiers: MedGen C5830283, MONDO:0859514, OMIM 620246.
Hypokalemic periodic paralysis, type 1. Also called: Hypokalemic Periodic Paralysis Type 1 (AD); HypoPP. Identifiers: Orphanet 681, MedGen C3714580, MONDO:0042979, OMIM 170400.
Malignant hyperthermia, susceptibility to, 5 (MHS5). Also called: CACNA1S-Related Malignant Hyperthermia Susceptibility. Identifiers: Orphanet 423, MedGen C1866077, MONDO:0011163, OMIM 601887.
Thyrotoxic periodic paralysis, susceptibility to, 1 (TTPP1). Identifiers: Orphanet 79102, MedGen C2749982, MONDO:0008570, OMIM 188580.

Allele frequency attached by ClinVar (database versions not stated): ESP Exome Variant Server 0.23735; 1000 Genomes Project 0.19089; 1000 Genomes Project 30x 0.19503; ExAC 0.20722; gnomAD exomes 0.20933; gnomAD 0.22414 and 0.23047; TOPMed 0.23206.
gnomAD v4.1: 347,357 of 1,613,632 alleles (22%); highest among the groups gnomAD compares: Admixed American, 26%; 39,238 homozygotes.

Submissions (13):

Labcorp Genetics (formerly Invitae), Labcorp
Classification: Benign for Hypokalemic periodic paralysis, type 1; Malignant hyperthermia, susceptibility to, 5. Last evaluated: 2026-02-04. Review status: criteria provided, single submitter. Criteria: Invitae Variant Classification Sherloc (09022015). Collection method: clinical testing. Allele origin: germline.

Blueprint Genetics
Classification: Benign. Last evaluated: 2024-11-26. Review status: criteria provided, single submitter. Criteria: ACMG Guidelines, 2015. Collection method: clinical testing. Allele origin: germline.

Mayo Clinic Laboratories, Mayo Clinic
Classification: Benign. Last evaluated: 2023-12-12. Review status: criteria provided, single submitter. Criteria: ACMG Guidelines, 2015. Collection method: clinical testing. Allele origin: germline. Observed: 215 variant alleles.

Genome-Nilou Lab
Classification: Benign for Malignant hyperthermia, susceptibility to, 5. Last evaluated: 2023-04-11. Review status: criteria provided, single submitter. Criteria: ACMG Guidelines, 2015. Collection method: clinical testing. Allele origin: germline. Affected: no.

Genome-Nilou Lab
Classification: Benign for Thyrotoxic periodic paralysis, susceptibility to, 1. Last evaluated: 2023-04-11. Review status: criteria provided, single submitter. Criteria: ACMG Guidelines, 2015. Collection method: clinical testing. Allele origin: germline. Affected: no.

Genome-Nilou Lab
Classification: Benign for Congenital myopathy 18. Last evaluated: 2023-04-11. Review status: criteria provided, single submitter. Criteria: ACMG Guidelines, 2015. Collection method: clinical testing. Allele origin: germline. Affected: no.

Genome-Nilou Lab
Classification: Benign for Hypokalemic periodic paralysis, type 1. Last evaluated: 2023-04-11. Review status: criteria provided, single submitter. Criteria: ACMG Guidelines, 2015. Collection method: clinical testing. Allele origin: germline. Affected: no.

Color Diagnostics, LLC DBA Color Health
Classification: Benign for Malignant hyperthermia, susceptibility to, 5. Last evaluated: 2019-03-28. Review status: criteria provided, single submitter. Criteria: ACMG Guidelines, 2015. Collection method: clinical testing. Allele origin: germline.

Athena Diagnostics
Classification: Benign. Last evaluated: 2017-07-21. Review status: criteria provided, single submitter. Criteria: Athena Diagnostics Criteria. Collection method: clinical testing. Allele origin: germline.

Illumina Laboratory Services, Illumina
Classification: Benign for Hypokalemic periodic paralysis, type 1. Last evaluated: 2017-04-27. Review status: criteria provided, single submitter. Criteria: ICSL Variant Classification Criteria 13 December 2019. Collection method: clinical testing. Allele origin: germline.
Comment: This variant was observed as part of a predisposition screen in an ostensibly healthy population. A literature search was performed for the gene, cDNA change, and amino acid change (where applicable). Publications were found based on this search. The evidence from the literature, in combination with allele frequency data from public databases where available, was sufficient to rule this variant out of causing disease. Therefore, this variant is classified as benign.

GeneDx
Classification: Benign. Last evaluated: 2016-01-28. Review status: criteria provided, single submitter. Criteria: GeneDx Variant Classification (06012015). Collection method: clinical testing. Allele origin: germline. Affected: yes.
Comment: This variant is considered likely benign or benign based on one or more of the following criteria: it is a conservative change, it occurs at a poorly conserved position in the protein, it is predicted to be benign by multiple in silico algorithms, and/or has population frequency not consistent with disease.

Breakthrough Genomics
Classification: Benign. Review status: criteria provided, single submitter. Criteria: ACMG Guidelines, 2015. Collection method: not provided. Allele origin: germline. Inheritance: Autosomal dominant inheritance. Affected: yes.

PreventionGenetics, part of Exact Sciences
Classification: Benign. Review status: criteria provided, single submitter. Criteria: ACMG Guidelines, 2015. Collection method: clinical testing. Allele origin: germline.

Literature cited by the submitters: PubMed 11940049 (cited by Mayo Clinic Laboratories, Mayo Clinic and Illumina Laboratory Services, Illumina).